The following is an entry in ClinVar:

NM_144992.5(VWA3B):c.760del (p.Leu254fs)

Gene: VWA3B (von Willebrand factor A domain containing 3B; plus strand). Cytogenetic location: 2q11.2.
Variant type: Deletion.
Coding change: c.760del on transcript NM_144992.5 (MANE Select); coding-DNA position 760, one base deleted (C; older notation c.760delC).
Protein change: p.Leu254fs; shifts the reading frame from leucine 254.
Molecular consequence: frameshift variant. On other transcripts: non-coding transcript variant (2).
Genome position (GRCh38, 1-based): chr2:98,128,296, C deleted. VCF-style (leftmost placement, unchanged base first): chr2-98128295-TC-T. GRCh37 (hg19) VCF-style: chr2-98744758-TC-T.
Other names: short protein forms L254fs.
Identifiers: ClinVar variation 3897059 (VCV003897059.1).

ClinVar aggregate classification (germline): Uncertain significance (1 of 4 stars; one submission).

Conditions:
Spinocerebellar ataxia, autosomal recessive 22 (SCAR22). Identifiers: MedGen C4310781, MONDO:0014845, OMIM 616948.

Submission:

Kariminejad - Najmabadi Pathology & Genetics Center
Classification: Uncertain significance for Spinocerebellar ataxia, autosomal recessive 22. Last evaluated: 2018-11-12. Review status: criteria provided, single submitter. Criteria: ACMG Guidelines, 2015. Collection method: clinical testing. Allele origin: germline. Inheritance: Autosomal recessive inheritance. Affected: yes.
Comment: PM2, PP3